The following is an entry in ClinVar:

ClinVar aggregate classification (germline): Uncertain significance (1 of 4 stars; one submission).

Allele frequency attached by ClinVar (database versions not stated): TOPMed 0.00001; gnomAD 0.00001; gnomAD exomes below 0.00001; ExAC 0.00001.
gnomAD v4.1: 1 of 1,602,626 alleles (0.000062%); highest among the groups gnomAD compares: African/African-American, 0.0013%; no homozygotes.

Submission:

GeneDx
Classification: Uncertain significance. Last evaluated: 2017-08-08. Review status: criteria provided, single submitter. Criteria: GeneDx Variant Classification (06012015). Collection method: clinical testing. Allele origin: germline. Affected: yes.
Comment: The I156L variant has not been published as a pathogenic variant, nor has it been reported as a benign variant to our knowledge. The I156L variant is not observed at a significant frequency in large population cohorts (Lek et al., 2016; 1000 Genomes Consortium et al., 2015; Exome Variant Server). This variant is a conservative amino acid substitution, which is not likely to impact secondary protein structure as these residues share similar properties. However, this substitution occurs at a position that is conserved in mammals, and in silico analysis is inconsistent in its predictions as to whether or not the variant is damaging to the protein structure/function.

NM_152393.4(KLHL40):c.466A>C (p.Ile156Leu)

Gene: KLHL40 (kelch like family member 40; plus strand). Cytogenetic location: 3p22.1.
Variant type: single nucleotide variant.
Coding change: c.466A>C on transcript NM_152393.4 (MANE Select); coding-DNA position 466, A replaced by C.
Protein change: p.Ile156Leu; replaces isoleucine 156 with leucine.
Molecular consequence: missense variant.
Genome position (GRCh38, 1-based): chr3:42,686,084, A>C. VCF-style: chr3-42686084-A-C. GRCh37 (hg19) VCF-style: chr3-42727576-A-C.
Other names: short protein forms I156L.
Identifiers: ClinVar variation 451105 (VCV000451105.2), dbSNP rs752354484, ClinGen allele CA2336660.